The following is an entry in ClinVar:

NM_001375808.2(LPIN2):c.584C>T (p.Ala195Val)

Gene: LPIN2 (lipin 2; minus strand). Cytogenetic location: 18p11.31.
Variant type: single nucleotide variant.
Coding change: c.584C>T on transcript NM_001375808.2 (MANE Select); coding-DNA position 584, C replaced by T.
Protein change: p.Ala195Val; replaces alanine 195 with valine.
Molecular consequence: missense variant.
Genome position (GRCh38, 1-based): chr18:2,951,061, G>A on the plus strand (C>T on the coding strand, the complement: LPIN2 is on the minus strand). VCF-style: chr18-2951061-G-A. GRCh37 (hg19) VCF-style: chr18-2951059-G-A.
Other names: c.584C>T, p.Ala195Val (NM_001375809.1, NM_014646.2); short protein forms A195V.
Identifiers: ClinVar variation 579910 (VCV000579910.9), dbSNP rs1226336598, ClinGen allele CA401708749.

ClinVar aggregate classification (germline): Uncertain significance. Review status: criteria provided, multiple submitters, no conflicts (2 of 4 stars). 4 submissions from 4 submitters: Uncertain significance (4). Last evaluated 2025-01-09.

Conditions:
Inborn genetic diseases. Identifiers: MedGen C0950123, MeSH D030342.
Majeed syndrome (MJDS). Also called: LPIN2-Related Majeed Syndrome; CHRONIC RECURRENT MULTIFOCAL OSTEOMYELITIS 1, WITH CONGENITAL DYSERYTHROPOIETIC ANEMIA, WITH OR WITHOUT NEUTROPHILIC DERMATOSIS. Identifiers: Orphanet 77297, MedGen C1864997, MONDO:0012316, OMIM 609628.

Allele frequency attached by ClinVar (database versions not stated): gnomAD exomes 0.00001; TOPMed 0.00002; gnomAD 0.00003.
gnomAD v4.1: 18 of 1,613,960 alleles (0.0011%); highest among the groups gnomAD compares: Admixed American, 0.03%; no homozygotes.

Submissions (4):

Ambry Genetics
Classification: Uncertain significance for Inborn genetic diseases. Last evaluated: 2025-01-09. Review status: criteria provided, single submitter. Criteria: Ambry Variant Classification Scheme 2023. Collection method: clinical testing. Allele origin: germline.

Labcorp Genetics (formerly Invitae), Labcorp
Classification: Uncertain significance for Majeed syndrome. Last evaluated: 2022-07-19. Review status: criteria provided, single submitter. Criteria: Invitae Variant Classification Sherloc (09022015). Collection method: clinical testing. Allele origin: germline.
Comment: This sequence change replaces alanine, which is neutral and non-polar, with valine, which is neutral and non-polar, at codon 195 of the LPIN2 protein (p.Ala195Val). This variant is present in population databases (no rsID available, gnomAD 0.006%). This variant has not been reported in the literature in individuals affected with LPIN2-related conditions. ClinVar contains an entry for this variant (Variation ID: 579910). Algorithms developed to predict the effect of missense changes on protein structure and function output the following: SIFT: "Tolerated"; PolyPhen-2: "Benign"; Align-GVGD: "Class C0". The valine amino acid residue is found in multiple mammalian species, which suggests that this missense change does not adversely affect protein function. Algorithms developed to predict the effect of sequence changes on RNA splicing suggest that this variant may create or strengthen a splice site. In summary, the available evidence is currently insufficient to determine the role of this variant in disease. Therefore, it has been classified as a Variant of Uncertain Significance.

AiLife Diagnostics
Classification: Uncertain significance. Last evaluated: 2021-07-01. Review status: criteria provided, single submitter. Criteria: ACMG Guidelines, 2015. Collection method: clinical testing. Allele origin: germline. Affected: yes. Observed: 1 variant allele.

Center for Genomics, Ann and Robert H. Lurie Children's Hospital of Chicago
Classification: Uncertain significance for Majeed syndrome. Last evaluated: 2021-03-30. Review status: criteria provided, single submitter. Criteria: ACMG Guidelines, 2015. Collection method: clinical testing. Allele origin: germline.
Comment: LPIN2 NM_014646.2 exon 4 p.Ala195Val (c.584C>T): This variant has not been reported in the literature but is present in 2/33582 Latino alleles in the Genome Aggregation Database. This variant is present in ClinVar (Variation ID:468459). Evolutionary conservation and computational predictive tools suggest that this variant may not impact the protein. Of note, splice prediction tools suggest that this variant may affect splicing. However, further studies are needed to understand its impact. In summary, data on this variant is insufficient for disease classification. Therefore, the clinical significance of this variant is uncertain.